The following is an entry in ClinVar:

NM_001085049.3(MRAS):c.32T>C (p.Leu11Pro)

Gene: MRAS (muscle RAS oncogene homolog; plus strand). Cytogenetic location: 3q22.3.
Variant type: single nucleotide variant.
Coding change: c.32T>C on transcript NM_001085049.3 (MANE Select); coding-DNA position 32, T replaced by C.
Protein change: p.Leu11Pro; replaces leucine 11 with proline.
Molecular consequence: missense variant. On other transcripts: intron variant (3).
Genome position (GRCh38, 1-based): chr3:138,372,915, T>C. VCF-style: chr3-138372915-T-C. GRCh37 (hg19) VCF-style: chr3-138091757-T-C.
Other names: c.32T>C, p.Leu11Pro (NM_012219.4, NM_001252090.2); c.-35-24409T>C (NM_001252091.1); c.-36+24148T>C (NM_001252093.2); c.-36+23883T>C (NM_001252092.2); short protein forms L11P.
Identifiers: ClinVar variation 1924415 (VCV001924415.5), dbSNP rs2054705350, ClinGen allele CA354671347.

ClinVar aggregate classification (germline): Uncertain significance (1 of 4 stars; one submission).

Allele frequency attached by ClinVar (database versions not stated): gnomAD exomes below 0.00001; TOPMed below 0.00001.
gnomAD v4.1: 1 of 1,548,584 alleles (0.000065%); highest among the groups gnomAD compares: East Asian, 0.0026%; no homozygotes.

Submission:

Labcorp Genetics (formerly Invitae), Labcorp
Classification: Uncertain significance. Last evaluated: 2022-06-03. Review status: criteria provided, single submitter. Criteria: Invitae Variant Classification Sherloc (09022015). Collection method: clinical testing. Allele origin: germline.
Comment: In summary, the available evidence is currently insufficient to determine the role of this variant in disease. Therefore, it has been classified as a Variant of Uncertain Significance. Algorithms developed to predict the effect of missense changes on protein structure and function are either unavailable or do not agree on the potential impact of this missense change (SIFT: "Deleterious"; PolyPhen-2: "Possibly Damaging"; Align-GVGD: "Class C0"). This variant has not been reported in the literature in individuals affected with MRAS-related conditions. This variant is not present in population databases (gnomAD no frequency). This sequence change replaces leucine, which is neutral and non-polar, with proline, which is neutral and non-polar, at codon 11 of the MRAS protein (p.Leu11Pro).